The following is an entry in ClinVar:

ClinVar aggregate classification (germline): Uncertain significance (1 of 4 stars; one submission).

Submission:

GeneDx
Classification: Uncertain significance. Last evaluated: 2025-05-14. Review status: criteria provided, single submitter. Criteria: GeneDx Variant Classification Process June 2021. Collection method: clinical testing. Allele origin: germline. Affected: yes.
Comment: Not observed at significant frequency in large population cohorts (gnomAD); In silico analysis supports that this missense variant has a deleterious effect on protein structure/function; Has not been previously published as pathogenic or benign to our knowledge

NM_030752.3(TCP1):c.80C>T (p.Ser27Leu)

Gene: TCP1 (t-complex 1; minus strand). Cytogenetic location: 6q25.3.
Variant type: single nucleotide variant.
Coding change: c.80C>T on transcript NM_030752.3 (MANE Select); coding-DNA position 80, C replaced by T.
Protein change: p.Ser27Leu; replaces serine 27 with leucine.
Molecular consequence: missense variant. On other transcripts: intron variant (1).
Genome position (GRCh38, 1-based): chr6:159,788,128, G>A on the plus strand (C>T on the coding strand, the complement: TCP1 is on the minus strand). VCF-style: chr6-159788128-G-A. GRCh37 (hg19) VCF-style: chr6-160209160-G-A.
Other names: c.-315-257C>T (NM_001008897.2); short protein forms S27L.
Identifiers: ClinVar variation 4529562 (VCV004529562.1).